The following is an entry in ClinVar:

ClinVar aggregate classification (germline): Benign/Likely benign. Review status: criteria provided, multiple submitters, no conflicts (2 of 4 stars). 4 submissions from 4 submitters: Benign (1); Likely benign (3). Last evaluated 2025-02-26.

Conditions:
Multiple endocrine neoplasia, type 1 (MEN1). Also called: MEN I; WERMER SYNDROME; Endocrine adenomatosis multiple; MEN 1; MEA I. Identifiers: Orphanet 652, MedGen C0025267, MeSH D018761, MONDO:0007540, OMIM 131100.
Hereditary cancer-predisposing syndrome. Also called: Tumor predisposition; Neoplastic Syndromes, Hereditary; Hereditary Cancer Syndrome; Hereditary neoplastic syndrome. Identifiers: Orphanet 140162, MedGen C0027672, MeSH D009386, MONDO:0015356.

gnomAD v4.1: 3 of 1,613,658 alleles (0.00019%); highest among the groups gnomAD compares: Non-Finnish European, 0.00025%; no homozygotes.

Submissions (4):

Labcorp Genetics (formerly Invitae), Labcorp
Classification: Likely benign for Multiple endocrine neoplasia, type 1. Last evaluated: 2025-02-26. Review status: criteria provided, single submitter. Criteria: Invitae Variant Classification Sherloc (09022015). Collection method: clinical testing. Allele origin: germline.

Myriad Genetics, Inc.
Classification: Benign for Multiple endocrine neoplasia, type 1. Last evaluated: 2024-11-01. Review status: criteria provided, single submitter. Criteria: Myriad Autosomal Dominant, Autosomal Recessive and X-Linked Classification Criteria (2023). Collection method: clinical testing. Allele origin: unknown.
Comment: This variant is considered benign. This variant is a silent/synonymous amino acid change and it is not expected to impact splicing.

Color Diagnostics, LLC DBA Color Health
Classification: Likely benign for Multiple endocrine neoplasia, type 1. Last evaluated: 2024-07-30. Review status: criteria provided, single submitter. Criteria: ACMG Guidelines, 2015. Collection method: clinical testing. Allele origin: germline.

Ambry Genetics
Classification: Likely benign for Hereditary cancer-predisposing syndrome. Last evaluated: 2019-12-14. Review status: criteria provided, single submitter. Criteria: Ambry Variant Classification Scheme 2023. Collection method: clinical testing. Allele origin: germline.

NM_001370259.2(MEN1):c.792C>G (p.Leu264=)

Gene: MEN1 (menin 1; minus strand). Cytogenetic location: 11q13.1.
Variant type: single nucleotide variant.
Coding change: c.792C>G on transcript NM_001370259.2 (MANE Select); coding-DNA position 792, C replaced by G.
Protein change: p.Leu264=; no amino-acid change (leucine 264 retained).
Molecular consequence: synonymous variant.
Genome position (GRCh38, 1-based): chr11:64,807,211, G>C on the plus strand (C>G on the coding strand, the complement: MEN1 is on the minus strand). VCF-style: chr11-64807211-G-C. GRCh37 (hg19) VCF-style: chr11-64574683-G-C.
Other names: c.807C>G, p.Leu269= (NM_000244.4, NM_130800.3, NM_130801.3 and 3 more transcripts); c.792C>G, p.Leu264= (NM_001370251.2, NM_001370260.2, NM_001370261.2 and 1 more transcripts); c.687C>G, p.Leu229= (NM_001370262.2, NM_001370263.2).
Identifiers: ClinVar variation 1091022 (VCV001091022.13), dbSNP rs2136134213, ClinGen allele CA474983698.